The following is an entry in ClinVar:

NM_022835.3(PLEKHG2):c.1135G>C (p.Val379Leu)

Gene: PLEKHG2 (pleckstrin homology and RhoGEF domain containing G2; plus strand). Cytogenetic location: 19q13.2.
Variant type: single nucleotide variant.
Coding change: c.1135G>C on transcript NM_022835.3 (MANE Select); coding-DNA position 1135, G replaced by C.
Protein change: p.Val379Leu; replaces valine 379 with leucine.
Molecular consequence: missense variant.
Genome position (GRCh38, 1-based): chr19:39,418,785, G>C. VCF-style: chr19-39418785-G-C. GRCh37 (hg19) VCF-style: chr19-39909425-G-C.
Other names: c.958G>C, p.Val320Leu (NM_001351693.2); c.1135G>C, p.Val379Leu (NM_001351694.2); short protein forms V379L, V320L.
Identifiers: ClinVar variation 2111105 (VCV002111105.4), dbSNP rs760573917, ClinGen allele CA405791881.

ClinVar aggregate classification (germline): Uncertain significance (1 of 4 stars; one submission).

Submission:

Labcorp Genetics (formerly Invitae), Labcorp
Classification: Uncertain significance. Last evaluated: 2024-11-05. Review status: criteria provided, single submitter. Criteria: Invitae Variant Classification Sherloc (09022015). Collection method: clinical testing. Allele origin: germline.
Comment: This sequence change replaces valine, which is neutral and non-polar, with leucine, which is neutral and non-polar, at codon 379 of the PLEKHG2 protein (p.Val379Leu). This variant is not present in population databases (gnomAD no frequency). This variant has not been reported in the literature in individuals affected with PLEKHG2-related conditions. ClinVar contains an entry for this variant (Variation ID: 2111105). An algorithm developed to predict the effect of missense changes on protein structure and function (PolyPhen-2) suggests that this variant is likely to be tolerated. In summary, the available evidence is currently insufficient to determine the role of this variant in disease. Therefore, it has been classified as a Variant of Uncertain Significance.